The following is an entry in ClinVar:

NM_001379500.1(COL18A1):c.1323G>A (p.Gly441=)

Gene: COL18A1 (collagen type XVIII alpha 1 chain; plus strand). Cytogenetic location: 21q22.3.
Variant type: single nucleotide variant.
Coding change: c.1323G>A on transcript NM_001379500.1 (MANE Select); coding-DNA position 1323, G replaced by A.
Protein change: p.Gly441=; no amino-acid change (glycine 441 retained).
Molecular consequence: synonymous variant.
Genome position (GRCh38, 1-based): chr21:45,480,081, G>A. VCF-style: chr21-45480081-G-A. GRCh37 (hg19) VCF-style: chr21-46899995-G-A.
Other names: NM_130445.2:c.1323G>A; c.1863G>A, p.Gly621= (NM_030582.4); c.2568G>A, p.Gly856= (NM_130444.3); c.1863G>A (NM_030582.3).
Identifiers: ClinVar variation 899245 (VCV000899245.13), dbSNP rs201380467, ClinGen allele CA10066261.

ClinVar aggregate classification (germline): Conflicting classifications of pathogenicity. Review status: criteria provided, conflicting classifications (1 of 4 stars). 4 submissions from 4 submitters: Uncertain significance (1); Benign (1); Likely benign (2). Last evaluated 2026-01-15.

Conditions:
COL18A1-related disorder. Also called: COL18A1-related disorders; COL18A1-related condition.
Knobloch syndrome (KNO). Also called: Myopia retinal detachment encephalocele; RETINAL DETACHMENT AND OCCIPITAL ENCEPHALOCELE. Identifiers: Orphanet 1571, MedGen C1849409, MONDO:0800166.

Allele frequency attached by ClinVar (database versions not stated): gnomAD exomes 0.00015 and 0.00032; ESP Exome Variant Server 0.00017; gnomAD 0.00019 and 0.00020; TOPMed 0.00019; ExAC 0.00020.
gnomAD v4.1: 276 of 1,610,936 alleles (0.017%); highest among the groups gnomAD compares: Admixed American, 0.02%; 2 homozygotes.

Submissions (4):

Labcorp Genetics (formerly Invitae), Labcorp
Classification: Benign. Last evaluated: 2026-01-15. Review status: criteria provided, single submitter. Criteria: Invitae Variant Classification Sherloc (09022015). Collection method: clinical testing. Allele origin: germline.

PreventionGenetics, part of Exact Sciences
Classification: Likely benign for COL18A1-related condition. Last evaluated: 2025-03-28. Review status: criteria provided, single submitter. Criteria: ACMG Guidelines, 2015. Collection method: clinical testing. Allele origin: germline.
Comment: This variant is classified as likely benign based on ACMG/AMP sequence variant interpretation guidelines (Richards et al. 2015 PMID: 25741868, with internal and published modifications).

Blueprint Genetics
Classification: Likely benign. Last evaluated: 2024-09-26. Review status: criteria provided, single submitter. Criteria: ACMG Guidelines, 2015. Collection method: clinical testing. Allele origin: germline.

Illumina Laboratory Services, Illumina
Classification: Uncertain significance for Knobloch syndrome 1. Last evaluated: 2018-01-13. Review status: criteria provided, single submitter. Criteria: ICSL Variant Classification Criteria 13 December 2019. Collection method: clinical testing. Allele origin: germline.